The following is an entry in ClinVar:

ClinVar aggregate classification (germline): Uncertain significance (1 of 4 stars; one submission).

Conditions:
Inborn genetic diseases. Identifiers: MedGen C0950123, MeSH D030342.

Submission:

Ambry Genetics
Classification: Uncertain significance for Inborn genetic diseases. Last evaluated: 2025-01-25. Review status: criteria provided, single submitter. Criteria: Ambry Variant Classification Scheme 2023. Collection method: clinical testing. Allele origin: germline.
Comment: The p.M573L variant (also known as c.1717A>T), located in coding exon 16 of the DDX41 gene, results from an A to T substitution at nucleotide position 1717. The methionine at codon 573 is replaced by leucine, an amino acid with highly similar properties. This amino acid position is conserved. In addition, this alteration is predicted to be tolerated by in silico analysis. Based on the available evidence, the clinical significance of this variant remains unclear.

NM_016222.4(DDX41):c.1717A>T (p.Met573Leu)

Gene: DDX41 (DEAD-box helicase 41; minus strand). Cytogenetic location: 5q35.3.
Variant type: single nucleotide variant.
Coding change: c.1717A>T on transcript NM_016222.4 (MANE Select); coding-DNA position 1717, A replaced by T.
Protein change: p.Met573Leu; replaces methionine 573 with leucine.
Molecular consequence: missense variant.
Genome position (GRCh38, 1-based): chr5:177,512,111, T>A on the plus strand (A>T on the coding strand, the complement: DDX41 is on the minus strand). VCF-style: chr5-177512111-T-A. GRCh37 (hg19) VCF-style: chr5-176939112-T-A.
Other names: c.1339A>T, p.Met447Leu (NM_001321732.2, NM_001321830.2); short protein forms M447L, M573L.
Identifiers: ClinVar variation 3839015 (VCV003839015.1).
Genomic context (GRCh38, chr5:177,512,111, plus strand): 5'-TGCCACCTGCCGGCTGGGGACTCGGGGATCCCGCTCTGCAGTCACCTCCAATGTCCAGCA[T>A]GGACTCATCCCCGCAATGCAGCACCTGCAGCACGGGCGGCACCTTCTGCTTGGCTTCTAG-3'
Protein context (NP_057306.2, residues 563-583): LQVLHCGDES[Met573Leu]LDIGGERGCA